The following is an entry in ClinVar:

NM_031475.3(ESPN):c.1426A>C (p.Lys476Gln)

Gene: ESPN (espin; plus strand). Cytogenetic location: 1p36.31.
Variant type: single nucleotide variant.
Coding change: c.1426A>C on transcript NM_031475.3 (MANE Select); coding-DNA position 1426, A replaced by C.
Protein change: p.Lys476Gln; replaces lysine 476 with glutamine.
Molecular consequence: missense variant.
Genome position (GRCh38, 1-based): chr1:6,445,897, A>C. VCF-style: chr1-6445897-A-C. GRCh37 (hg19) VCF-style: chr1-6505957-A-C.
Other names: c.1426A>C, p.Lys476Gln (NM_001367473.1, NM_001367474.1); short protein forms K476Q.
Identifiers: ClinVar variation 1028415 (VCV001028415.6), dbSNP rs552715518, ClinGen allele CA560221.

ClinVar aggregate classification (germline): Uncertain significance. Review status: criteria provided, multiple submitters, no conflicts (2 of 4 stars). 4 submissions from 4 submitters: Uncertain significance (4). Last evaluated 2026-10-15.

Conditions:
ESPN-related disorder. Also called: ESPN-related condition.
Inborn genetic diseases. Identifiers: MedGen C0950123, MeSH D030342.
Autosomal recessive nonsyndromic hearing loss 36. Also called: DEAFNESS, AUTOSOMAL RECESSIVE 36, WITH VESTIBULAR INVOLVEMENT; Deafness, autosomal recessive 36. Identifiers: Orphanet 90636, MedGen C1837007, MONDO:0012170, OMIM 609006.

Allele frequency attached by ClinVar (database versions not stated): gnomAD exomes 0.00003 and 0.00004; ExAC 0.00004; 1000 Genomes Project 0.00020; gnomAD 0.00003; TOPMed 0.00006; 1000 Genomes Project 30x 0.00031.
gnomAD v4.1: 59 of 1,612,084 alleles (0.0037%); highest among the groups gnomAD compares: Middle Eastern, 0.033%; no homozygotes.

Submissions (4):

GeneDx
Classification: Uncertain significance. Last evaluated: 2026-10-15. Review status: criteria provided, single submitter. Criteria: GeneDx Variant Classification Process June 2021. Collection method: clinical testing. Allele origin: germline.
Comment: In silico analysis suggests that this missense variant does not alter protein structure/function; Has not been previously published as pathogenic or benign to our knowledge

PreventionGenetics, part of Exact Sciences
Classification: Uncertain significance for ESPN-related condition. Last evaluated: 2026-06-27. Review status: criteria provided, single submitter. Criteria: ACMG Guidelines, 2015. Collection method: clinical testing. Allele origin: germline.
Comment: The ESPN c.1426A>C variant is predicted to result in the amino acid substitution p.Lys476Gln. To our knowledge, this variant has not been reported in the literature. This variant is reported in 0.017% of alleles in individuals of Latino descent in gnomAD. At this time, the clinical significance of this variant is uncertain due to the absence of conclusive functional and genetic evidence.

Ambry Genetics
Classification: Uncertain significance for Inborn genetic diseases. Last evaluated: 2024-01-12. Review status: criteria provided, single submitter. Criteria: Ambry Variant Classification Scheme 2023. Collection method: clinical testing. Allele origin: germline.

Baylor Genetics
Classification: Uncertain significance for Autosomal recessive nonsyndromic hearing loss 36. Last evaluated: 2020-04-05. Review status: criteria provided, single submitter. Criteria: ACMG Guidelines, 2015. Collection method: clinical testing. Allele origin: unknown. Affected: yes.
Comment: This variant was determined to be of uncertain significance according to ACMG Guidelines, 2015 [PMID:25741868].